The following is an entry in ClinVar:

ClinVar aggregate classification (germline): Uncertain significance (1 of 4 stars; one submission).

Conditions:
Immunodeficiency 104. Also called: SCID, AUTOSOMAL RECESSIVE, T CELL-NEGATIVE, B CELL-POSITIVE, NK CELL-POSITIVE; Severe combined immunodeficiency, autosomal recessive, T cell-negative, B cell-positive, NK cell-positive; Severe Combined Immune Deficiency, Autosomal Recessive, TCell -Negative, B Cell-Positive, NK Cell-Positive, IL7R-Related; IMMUNODEFICIENCY 104, SEVERE COMBINED. Identifiers: MedGen C5676890, MONDO:0012163, OMIM 608971.

Submission:

Labcorp Genetics (formerly Invitae), Labcorp
Classification: Uncertain significance for Immunodeficiency 104. Last evaluated: 2018-05-23. Review status: criteria provided, single submitter. Criteria: Invitae Variant Classification Sherloc (09022015). Collection method: clinical testing. Allele origin: germline.
Comment: This variant is not present in population databases (ExAC no frequency). This variant has not been reported in the literature in individuals with IL7R-related disease. Algorithms developed to predict the effect of missense changes on protein structure and function (SIFT, PolyPhen-2, Align-GVGD) all suggest that this variant is likely to be disruptive, but these predictions have not been confirmed by published functional studies and their clinical significance is uncertain. In summary, the available evidence is currently insufficient to determine the role of this variant in disease. Therefore, it has been classified as a Variant of Uncertain Significance. This sequence change replaces tyrosine with histidine at codon 212 of the IL7R protein (p.Tyr212His). The tyrosine residue is highly conserved and there is a moderate physicochemical difference between tyrosine and histidine.

NM_002185.5(IL7R):c.634T>C (p.Tyr212His)

Gene: IL7R (interleukin 7 receptor; plus strand). Cytogenetic location: 5p13.2.
Variant type: single nucleotide variant.
Coding change: c.634T>C on transcript NM_002185.5 (MANE Select); coding-DNA position 634, T replaced by C.
Protein change: p.Tyr212His; replaces tyrosine 212 with histidine.
Molecular consequence: missense variant.
Genome position (GRCh38, 1-based): chr5:35,873,576, T>C. VCF-style: chr5-35873576-T-C. GRCh37 (hg19) VCF-style: chr5-35873678-T-C.
Other names: short protein forms Y212H.
Identifiers: ClinVar variation 1038937 (VCV001038937.9), dbSNP rs1760127712, ClinGen allele CA359430829.
Genomic context (GRCh38, chr5:35,873,576, plus strand): 5'-CAGAGAAAGCTCCAACCGGCAGCAATGTATGAGATTAAAGTTCGATCCATCCCTGATCAC[T>C]ATTTTAAAGGCTTCTGGAGTGAATGGAGTCCAAGTTATTACTTCAGAACTCCAGAGATCA-3'
Protein context (NP_002176.2, residues 202-222): EIKVRSIPDH[Tyr212His]FKGFWSEWSP